The following is an entry in ClinVar:

ClinVar aggregate classification (germline): Uncertain significance. Review status: criteria provided, single submitter (1 of 4 stars). 2 submissions from 2 submitters: Uncertain significance (1). 1 of the submissions does not count toward it. Last evaluated 2024-04-30.

Conditions:
TRAP1-related disorder. Also called: TRAP1-related condition.

gnomAD v4.1: 24 of 1,611,898 alleles (0.0015%); highest among the groups gnomAD compares: African/African-American, 0.0027%; no homozygotes.

Submissions (2):

Labcorp Genetics (formerly Invitae), Labcorp
Classification: Uncertain significance. Last evaluated: 2024-04-30. Review status: criteria provided, single submitter. Criteria: Invitae Variant Classification Sherloc (09022015). Collection method: clinical testing. Allele origin: germline.
Comment: This sequence change replaces alanine, which is neutral and non-polar, with threonine, which is neutral and polar, at codon 487 of the TRAP1 protein (p.Ala487Thr). This variant is present in population databases (no rsID available, gnomAD 0.004%). This variant has not been reported in the literature in individuals affected with TRAP1-related conditions. ClinVar contains an entry for this variant (Variation ID: 2082413). Advanced modeling of protein sequence and biophysical properties (such as structural, functional, and spatial information, amino acid conservation, physicochemical variation, residue mobility, and thermodynamic stability) performed at Invitae indicates that this missense variant is not expected to disrupt TRAP1 protein function with a negative predictive value of 80%. In summary, the available evidence is currently insufficient to determine the role of this variant in disease. Therefore, it has been classified as a Variant of Uncertain Significance.

PreventionGenetics, part of Exact Sciences
Classification: Uncertain significance for TRAP1-related condition. Last evaluated: 2024-07-15. Review status: no assertion criteria provided. Collection method: clinical testing. Allele origin: germline. Not counted in ClinVar's aggregate classification.
Comment: The TRAP1 c.1459G>A variant is predicted to result in the amino acid substitution p.Ala487Thr. To our knowledge, this variant has not been reported in the literature. This variant is reported in 0.0042% of alleles in individuals of African descent in gnomAD. At this time, the clinical significance of this variant is uncertain due to the absence of conclusive functional and genetic evidence.

NM_016292.3(TRAP1):c.1459G>A (p.Ala487Thr)

Genes: DNASE1 (deoxyribonuclease 1; plus strand), TRAP1 (TNF receptor associated protein 1; minus strand). Cytogenetic location: 16p13.3.
Variant type: single nucleotide variant.
Coding change: c.1459G>A on transcript NM_016292.3 (MANE Select); coding-DNA position 1459, G replaced by A.
Protein change: p.Ala487Thr; replaces alanine 487 with threonine.
Molecular consequence: missense variant. On other transcripts: 3 prime UTR variant (1).
Genome position (GRCh38, 1-based): chr16:3,664,384, C>T on the plus strand (G>A on the coding strand, the complement: TRAP1 is on the minus strand). VCF-style: chr16-3664384-C-T. GRCh37 (hg19) VCF-style: chr16-3714385-C-T.
Other names: c.1300G>A, p.Ala434Thr (NM_001272049.2); c.*1760C>T (NM_001387140.1); short protein forms A487T, A434T.
Identifiers: ClinVar variation 2082413 (VCV002082413.4), dbSNP rs368889500, ClinGen allele CA276981686.